The following is an entry in ClinVar:

ClinVar aggregate classification (germline): Likely benign. Review status: criteria provided, single submitter (1 of 4 stars). 2 submissions from 2 submitters: Likely benign (1). 1 of the submissions does not count toward it. Last evaluated 2025-11-01.

Conditions:
UBE3C-related disorder. Also called: UBE3C-related condition.

Allele frequency attached by ClinVar (database versions not stated): ESP Exome Variant Server 0.00131; 1000 Genomes Project 0.00140; 1000 Genomes Project 30x 0.00141.
gnomAD v4.1: 428 of 1,614,114 alleles (0.027%); highest among the groups gnomAD compares: African/African-American, 0.52%; 1 homozygote.

Submissions (2):

CeGaT Center for Human Genetics Tuebingen
Classification: Likely benign. Last evaluated: 2025-11-01. Review status: criteria provided, single submitter. Criteria: CeGaT Center For Human Genetics Tuebingen Variant Classification Criteria Version 2. Collection method: clinical testing. Allele origin: germline. Affected: yes. Observed: 1 variant allele.
Comment: UBE3C: BP4, BP7

PreventionGenetics, part of Exact Sciences
Classification: Likely benign for UBE3C-related condition. Last evaluated: 2019-02-20. Review status: no assertion criteria provided. Collection method: clinical testing. Allele origin: germline. Not counted in ClinVar's aggregate classification.
Comment: This variant is classified as likely benign based on ACMG/AMP sequence variant interpretation guidelines (Richards et al. 2015 PMID: 25741868, with internal and published modifications).

NM_014671.3(UBE3C):c.528G>C (p.Ser176=)

Gene: UBE3C (ubiquitin protein ligase E3C; plus strand). Cytogenetic location: 7q36.3.
Variant type: single nucleotide variant.
Coding change: c.528G>C on transcript NM_014671.3 (MANE Select); coding-DNA position 528, G replaced by C.
Protein change: p.Ser176=; no amino-acid change (serine 176 retained).
Molecular consequence: synonymous variant.
Genome position (GRCh38, 1-based): chr7:157,178,759, G>C. VCF-style: chr7-157178759-G-C. GRCh37 (hg19) VCF-style: chr7-156971453-G-C.
Identifiers: ClinVar variation 3050746 (VCV003050746.8), dbSNP rs78015355, ClinGen allele CA4589551.